The following is an entry in ClinVar:

NM_181507.2(HPS5):c.285-10A>G

Gene: HPS5 (HPS5 biogenesis of lysosomal organelles complex 2 subunit 2; minus strand). Cytogenetic location: 11p15.1.
Variant type: single nucleotide variant.
Coding change: c.285-10A>G on transcript NM_181507.2 (MANE Select); 10 bases into the intron before coding-DNA position 285, A replaced by G.
Molecular consequence: intron variant.
Genome position (GRCh38, 1-based): chr11:18,310,943, T>C on the plus strand (A>G on the coding strand, the complement: HPS5 is on the minus strand). VCF-style: chr11-18310943-T-C. GRCh37 (hg19) VCF-style: chr11-18332490-T-C.
Other names: IVS4AS, A-G, -10; c.-58-10A>G (NM_001440929.1, NM_181508.2, NM_001440921.1 and 10 more transcripts); c.174-10A>G (NM_001440915.1, NM_001440914.1, NM_001440913.1); c.285-10A>G (NM_001440931.1, NM_001440917.1, NM_001440906.1 and 6 more transcripts); c.210-10A>G (NM_001440907.1, NM_001440909.1, NM_001440908.1); c.99-10A>G (NM_001440918.1).
Identifiers: ClinVar variation 431165 (VCV000431165.15), dbSNP rs200449378, ClinGen allele CA5910471.

ClinVar aggregate classification (germline): Conflicting classifications of pathogenicity. Review status: criteria provided, conflicting classifications (1 of 4 stars). 7 submissions from 7 submitters: Likely pathogenic (5); Uncertain significance (1). 1 of the submissions does not count toward it. Last evaluated 2026-10-01.

Conditions:
Hermansky-Pudlak syndrome (HPS). Also called: ALBINISM WITH HEMORRHAGIC DIATHESIS AND PIGMENTED RETICULOENDOTHELIAL CELLS. Identifiers: Orphanet 79430, MedGen C0079504, MONDO:0019312.
Hermansky-Pudlak syndrome 5 (HPS5). Identifiers: Orphanet 231512, Orphanet 79430, MedGen C3888004, MONDO:0013557, OMIM 614074.
HPS5-related disorder. Also called: HPS5-related condition.

Allele frequency attached by ClinVar (database versions not stated): 1000 Genomes Project 30x 0.00016; TOPMed 0.00003; gnomAD 0.00006; 1000 Genomes Project 0.00020.
gnomAD v4.1: 46 of 1,613,554 alleles (0.0029%); highest among the groups gnomAD compares: Admixed American, 0.03%; no homozygotes.

Submissions (8):

GeneDx
Classification: Likely pathogenic. Last evaluated: 2026-10-01. Review status: criteria provided, single submitter. Criteria: GeneDx Variant Classification Process June 2021. Collection method: clinical testing. Allele origin: germline.
Comment: Published functional studies demonstrate a damaging effect, with reduced levels of mRNA and protein compared to controls and mislocalization of lysosomal markers (PMID: 28296950); In silico analysis supports a deleterious effect on splicing; This variant is associated with the following publications: (PMID: 28640947, 28296950, 29090612, 37647632)

Labcorp Genetics (formerly Invitae), Labcorp
Classification: Likely pathogenic. Last evaluated: 2025-11-18. Review status: criteria provided, single submitter. Criteria: Invitae Variant Classification Sherloc (09022015). Collection method: clinical testing. Allele origin: germline.
Comment: This sequence change falls in intron 4 of the HPS5 gene. It does not directly change the encoded amino acid sequence of the HPS5 protein. RNA analysis indicates that this variant induces altered splicing and likely results in the gain of 3 amino acid residue(s), but is expected to preserve the integrity of the reading-frame. This variant is present in population databases (rs200449378, gnomAD 0.04%). This variant has been observed in individual(s) with Hermansky-Pudlak syndrome (PMID: 28296950). ClinVar contains an entry for this variant (Variation ID: 431165). Algorithms developed to predict the effect of variants on gene product structure and function are not available or were not evaluated for this variant. Experimental studies have shown that this variant affects HPS5 function (PMID: 28296950). Studies have shown that this variant results in the activation of a cryptic splice site in intron 4 (PMID: 28296950). In summary, the currently available evidence indicates that the variant is pathogenic, but additional data are needed to prove that conclusively. Therefore, this variant has been classified as Likely Pathogenic.

First Genomix Gene Laboratory, Genetic Diagnostics Department
Classification: Likely pathogenic for Hermansky-Pudlak syndrome 5. Last evaluated: 2025-09-03. Review status: criteria provided, single submitter. Criteria: ACMG Guidelines, 2015. Collection method: clinical testing. Allele origin: germline. Inheritance: Autosomal recessive inheritance. Affected: no. Observed: 1 variant allele.

PreventionGenetics, part of Exact Sciences
Classification: Likely pathogenic for HPS5-related condition. Last evaluated: 2025-03-29. Review status: criteria provided, single submitter. Criteria: ACMG Guidelines, 2015. Collection method: clinical testing. Allele origin: germline.
Comment: The HPS5 c.285-10A>G variant is predicted to interfere with splicing. This variant has been reported in the homozygous state in an individual with Hermansky-Pudlak syndrome (Stephen et al. 2017. PubMed ID: 28296950). cDNA analysis showed that this variant activates a cryptic acceptor splice site in intron 4, which leads to an in-frame insertion of three amino acids in the highly conserved domain of HPS5 (p.Ser95_Gln96insSerCysSer) and results in a reduced amount of HPS5 at the transcript and protein level (Stephen et al. 2017. PubMed ID: 28296950). This variant is reported in 0.042% of alleles in individuals of Latino descent in gnomAD. This variant is interpreted as likely pathogenic.

Women's Health and Genetics/Laboratory Corporation of America, LabCorp
Classification: Likely pathogenic for Hermansky-Pudlak syndrome. Last evaluated: 2024-08-15. Review status: criteria provided, single submitter. Criteria: LabCorp Variant Classification Summary - May 2015. Collection method: clinical testing. Allele origin: germline.
Comment: Variant summary: HPS5 c.285-10A>G alters a nucleotide located at a position not widely known to affect splicing. Several computational tools predict a significant impact on normal splicing: Two predict the variant abolishes a 3' acceptor site. One predict the variant weakens a 3' acceptor site. Three predict the variant creates a 3' acceptor site. At least one publication reports experimental evidence that this variant affects mRNA splicing (Stephen_2017) resulting in an inframe insertion of 3 amino acids. The variant allele was found at a frequency of 8.8e-05 in 249608 control chromosomes. This frequency is not significantly higher than estimated for a pathogenic variant in HPS5 causing Hermansky-Pudlak Syndrome (8.8e-05 vs 0.00047), allowing no conclusion about variant significance. c.285-10A>G has been reported in the literature in individuals affected with Hermansky-Pudlak Syndrome (Stephen_2017). The following publication have been ascertained in the context of this evaluation (PMID: 28296950). ClinVar contains an entry for this variant (Variation ID: 431165). Based on the evidence outlined above, the variant was classified as likely pathogenic.

Illumina Laboratory Services, Illumina
Classification: Uncertain significance for Hermansky-Pudlak syndrome 5. Last evaluated: 2017-04-27. Review status: criteria provided, single submitter. Criteria: ICSL Variant Classification Criteria 13 December 2019. Collection method: clinical testing. Allele origin: germline.

OMIM
Classification: Pathogenic for HERMANSKY-PUDLAK SYNDROME 5. Last evaluated: 2017-08-02. Review status: no assertion criteria provided. Collection method: literature only. Allele origin: germline. Not counted in ClinVar's aggregate classification.

Dr. Peter K. Rogan Lab, Western University
No classification provided (evidence only). Condition: Ovarian serous cystadenocarcinoma. Review status: no classification provided. Collection method: in vitro. Allele origin: not applicable. Functional consequence: retained intron. Not counted in ClinVar's aggregate classification.

Literature cited by the submitters: PubMed 28296950 (cited by 3 submitters).